The following is an entry in ClinVar:

ClinVar aggregate classification (germline): Likely benign (1 of 4 stars; one submission).

Conditions:
SEMA3G-related disorder. Also called: SEMA3G-related condition.

gnomAD v4.1: 2 of 1,613,330 alleles (0.00012%); highest among the groups gnomAD compares: Non-Finnish European, 0.00017%; no homozygotes.

Submission:

PreventionGenetics, part of Exact Sciences
Classification: Likely benign for SEMA3G-related condition. Last evaluated: 2025-05-22. Review status: criteria provided, single submitter. Criteria: ACMG Guidelines, 2015. Collection method: clinical testing. Allele origin: germline.
Comment: This variant is classified as likely benign based on ACMG/AMP sequence variant interpretation guidelines (Richards et al. 2015 PMID: 25741868, with internal and published modifications).

NM_020163.3(SEMA3G):c.1551G>A (p.Leu517=)

Gene: SEMA3G (semaphorin 3G; minus strand). Cytogenetic location: 3p21.1.
Variant type: single nucleotide variant.
Coding change: c.1551G>A on transcript NM_020163.3 (MANE Select); coding-DNA position 1551, G replaced by A.
Protein change: p.Leu517=; no amino-acid change (leucine 517 retained).
Molecular consequence: synonymous variant.
Genome position (GRCh38, 1-based): chr3:52,438,158, C>T on the plus strand (G>A on the coding strand, the complement: SEMA3G is on the minus strand). VCF-style: chr3-52438158-C-T. GRCh37 (hg19) VCF-style: chr3-52472174-C-T.
Identifiers: ClinVar variation 5000446 (VCV005000446.1).